The following is an entry in ClinVar:

ClinVar aggregate classification (germline): Likely benign. Review status: criteria provided, multiple submitters, no conflicts (2 of 4 stars). 2 submissions from 2 submitters: Likely benign (2). Last evaluated 2025-11-01.

Conditions:
Cornelia de Lange syndrome 1 (CDLS1). Also called: NIPBL-Related Cornelia de Lange Syndrome; TYPUS DEGENERATIVUS AMSTELODAMENSIS; Brachmann de Lange syndrome. Identifiers: Orphanet 199, MedGen C4551851, MONDO:0007387, OMIM 122470.

Allele frequency attached by ClinVar (database versions not stated): gnomAD exomes below 0.00001.
gnomAD v4.1: 3 of 1,608,638 alleles (0.00019%); highest among the groups gnomAD compares: South Asian, 0.0011%; no homozygotes.

Submissions (2):

CeGaT Center for Human Genetics Tuebingen
Classification: Likely benign. Last evaluated: 2025-11-01. Review status: criteria provided, single submitter. Criteria: CeGaT Center For Human Genetics Tuebingen Variant Classification Criteria Version 2. Collection method: clinical testing. Allele origin: germline. Affected: yes. Observed: 1 variant allele.
Comment: NIPBL: BP4, BP7

Labcorp Genetics (formerly Invitae), Labcorp
Classification: Likely benign for Cornelia de Lange syndrome 1. Last evaluated: 2023-10-02. Review status: criteria provided, single submitter. Criteria: Invitae Variant Classification Sherloc (09022015). Collection method: clinical testing. Allele origin: germline.

NM_133433.4(NIPBL):c.4587C>T (p.Asn1529=)

Gene: NIPBL (NIPBL cohesin loading factor; plus strand). Cytogenetic location: 5p13.2.
Variant type: single nucleotide variant.
Coding change: c.4587C>T on transcript NM_133433.4 (MANE Select); coding-DNA position 4587, C replaced by T.
Protein change: p.Asn1529=; no amino-acid change (asparagine 1529 retained).
Molecular consequence: synonymous variant.
Genome position (GRCh38, 1-based): chr5:37,014,709, C>T. VCF-style: chr5-37014709-C-T. GRCh37 (hg19) VCF-style: chr5-37014811-C-T.
Other names: c.4587C>T, p.Asn1529= (NM_015384.5).
Identifiers: ClinVar variation 2918313 (VCV002918313.9), dbSNP rs1748727860, ClinGen allele CA443904148.